The following is an entry in ClinVar:

NM_000051.4(ATM):c.5006-5T>C

Gene: ATM (ATM serine/threonine kinase; plus strand). Cytogenetic location: 11q22.3.
Variant type: single nucleotide variant.
Coding change: c.5006-5T>C on transcript NM_000051.4 (MANE Select); 5 bases into the intron before coding-DNA position 5006, T replaced by C.
Molecular consequence: intron variant.
Genome position (GRCh38, 1-based): chr11:108,299,709, T>C. VCF-style: chr11-108299709-T-C. GRCh37 (hg19) VCF-style: chr11-108170436-T-C.
Other names: c.5006-5T>C (NM_000051.3, NM_001351834.2).
Identifiers: ClinVar variation 2863351 (VCV002863351.5), dbSNP rs1555104475, ClinGen allele CA2580610715.
Genomic context (GRCh38, chr11:108,299,709, plus strand): 5'-AAAATTTCAGTTTTATGTATGATCTCTTACCTATGACTCTACTGAAATAGAATTTCTATA[T>C]GTAGAGGCTGTTGGAAGCTGCTTGGGAGAAGTGGGTCCTATAGATTTCTCTACCATAGCT-3'

ClinVar aggregate classification (germline): Conflicting classifications of pathogenicity. Review status: criteria provided, conflicting classifications (1 of 4 stars). 3 submissions from 3 submitters: Uncertain significance (1); Likely benign (2). Last evaluated 2025-08-04.

Conditions:
Hereditary cancer-predisposing syndrome. Also called: Hereditary neoplastic syndrome; Hereditary Cancer Syndrome; Neoplastic Syndromes, Hereditary; Tumor predisposition. Identifiers: Orphanet 140162, MedGen C0027672, MeSH D009386, MONDO:0015356.
Ataxia-telangiectasia syndrome (AT). Also called: AT, COMPLEMENTATION GROUP C; Ataxia telangiectasia (A-T); ATAXIA-TELANGIECTASIA, COMPLEMENTATION GROUP A; ATAXIA-TELANGIECTASIA, FRESNO VARIANT; Ataxia-telangiectasia, complementation group D; Ataxia-telangiectasia, complementation group E. Identifiers: Orphanet 100, MedGen C0004135, MONDO:0008840, OMIM 208900.
Familial cancer of breast. Also called: Hereditary breast cancer; hereditary breast carcinoma; BREAST CANCER, FAMILIAL. Identifiers: Orphanet 227535, MedGen C0346153, MONDO:0016419, OMIM 114480. Disease mechanism: loss of function.

Submissions (3):

Ambry Genetics
Classification: Uncertain significance for Hereditary cancer-predisposing syndrome. Last evaluated: 2025-08-04. Review status: criteria provided, single submitter. Criteria: Ambry Variant Classification Scheme 2023. Collection method: clinical testing. Allele origin: germline.
Comment: The c.5006-5T>C intronic variant results from a T to C substitution 5 nucleotides upstream from coding exon 33 in the ATM gene. This nucleotide position is well conserved in available vertebrate species. In silico splice site analysis for this alteration is inconclusive. Based on the available evidence, the clinical significance of this variant remains unclear.

Myriad Genetics, Inc.
Classification: Likely benign for Familial cancer of breast. Last evaluated: 2024-05-22. Review status: criteria provided, single submitter. Criteria: Myriad Autosomal Dominant, Autosomal Recessive and X-Linked Classification Criteria (2023). Collection method: clinical testing. Allele origin: unknown.
Comment: This variant is considered likely benign. This variant is intronic and is not expected to impact mRNA splicing.

Labcorp Genetics (formerly Invitae), Labcorp
Classification: Likely benign for Ataxia-telangiectasia syndrome. Last evaluated: 2023-05-11. Review status: criteria provided, single submitter. Criteria: Invitae Variant Classification Sherloc (09022015). Collection method: clinical testing. Allele origin: germline.